The following is an entry in ClinVar:

ClinVar aggregate classification (germline): Uncertain significance (1 of 4 stars; one submission).

Conditions:
Inborn genetic diseases. Identifiers: MedGen C0950123, MeSH D030342.

gnomAD v4.1: 2 of 1,614,196 alleles (0.00012%); highest among the groups gnomAD compares: Non-Finnish European, 0.00017%; no homozygotes.

Submission:

Ambry Genetics
Classification: Uncertain significance for Inborn genetic diseases. Last evaluated: 2024-11-21. Review status: criteria provided, single submitter. Criteria: Ambry Variant Classification Scheme 2023. Collection method: clinical testing. Allele origin: germline.
Comment: The p.F259L variant (also known as c.777C>A), located in coding exon 7 of the USB1 gene, results from a C to A substitution at nucleotide position 777. The phenylalanine at codon 259 is replaced by leucine, an amino acid with highly similar properties. This amino acid position is conserved. In addition, this alteration is predicted to be tolerated by in silico analysis. Based on the available evidence, the clinical significance of this variant remains unclear.

NM_024598.4(USB1):c.777C>A (p.Phe259Leu)

Gene: USB1 (U6 snRNA biogenesis phosphodiesterase 1; plus strand). Cytogenetic location: 16q21.
Variant type: single nucleotide variant.
Coding change: c.777C>A on transcript NM_024598.4 (MANE Select); coding-DNA position 777, C replaced by A.
Protein change: p.Phe259Leu; replaces phenylalanine 259 with leucine.
Molecular consequence: missense variant.
Genome position (GRCh38, 1-based): chr16:58,020,224, C>A. VCF-style: chr16-58020224-C-A. GRCh37 (hg19) VCF-style: chr16-58054128-C-A.
Other names: c.723C>A, p.Phe241Leu (NM_001195302.2); c.624C>A, p.Phe208Leu (NM_001330568.2); short protein forms F241L, F208L, F259L.
Identifiers: ClinVar variation 3466464 (VCV003466464.1).